The following is an entry in ClinVar:

NM_005032.7(PLS3):c.794T>A (p.Met265Lys)

Gene: PLS3 (plastin 3; plus strand). Cytogenetic location: Xq23.
Variant type: single nucleotide variant.
Coding change: c.794T>A on transcript NM_005032.7 (MANE Select); coding-DNA position 794, T replaced by A.
Protein change: p.Met265Lys; replaces methionine 265 with lysine.
Molecular consequence: missense variant.
Genome position (GRCh38, 1-based): chrX:115,636,881, T>A. VCF-style: chrX-115636881-T-A. GRCh37 (hg19) VCF-style: chrX-114871193-T-A.
Other names: c.794T>A, p.Met265Lys (NM_001136025.5); c.713T>A, p.Met238Lys (NM_001172335.3); c.728T>A, p.Met243Lys (NM_001282337.2); c.659T>A, p.Met220Lys (NM_001282338.2); short protein forms M220K, M238K, M243K, M265K.
Identifiers: ClinVar variation 1950437 (VCV001950437.5), dbSNP rs1434630697, ClinGen allele CA414334358.
Genomic context (GRCh38, chrX:115,636,881, plus strand): 5'-TTTTTTTTCTTCTAGCCTTGGCTGCTTTACTCCGAGATGGTGAGACTTTGGAGGAACTTA[T>A]GAAATTGTCTCCAGAAGAGCTTCTGCTTAGATGGGCAAACTTTCATTTGGAAAACTCGGG-3'
Protein context (NP_005023.2, residues 255-275): LRDGETLEEL[Met265Lys]KLSPEELLLR

ClinVar aggregate classification (germline): Uncertain significance (1 of 4 stars; one submission).

Submission:

Labcorp Genetics (formerly Invitae), Labcorp
Classification: Uncertain significance. Last evaluated: 2022-05-04. Review status: criteria provided, single submitter. Criteria: Invitae Variant Classification Sherloc (09022015). Collection method: clinical testing. Allele origin: germline.
Comment: In summary, the available evidence is currently insufficient to determine the role of this variant in disease. Therefore, it has been classified as a Variant of Uncertain Significance. Algorithms developed to predict the effect of missense changes on protein structure and function are either unavailable or do not agree on the potential impact of this missense change (SIFT: "Deleterious"; PolyPhen-2: "Benign"; Align-GVGD: "Class C0"). This variant has not been reported in the literature in individuals affected with PLS3-related conditions. This variant is not present in population databases (gnomAD no frequency). This sequence change replaces methionine, which is neutral and non-polar, with lysine, which is basic and polar, at codon 265 of the PLS3 protein (p.Met265Lys).